The following is an entry in ClinVar:

NM_000052.7(ATP7A):c.4448A>C (p.Asp1483Ala)

Gene: ATP7A (ATPase copper transporting alpha; plus strand). Cytogenetic location: Xq21.1.
Variant type: single nucleotide variant.
Coding change: c.4448A>C on transcript NM_000052.7 (MANE Select); coding-DNA position 4448, A replaced by C.
Protein change: p.Asp1483Ala; replaces aspartic acid 1483 with alanine.
Molecular consequence: missense variant. On other transcripts: non-coding transcript variant (1).
Genome position (GRCh38, 1-based): chrX:78,046,515, A>C. VCF-style: chrX-78046515-A-C. GRCh37 (hg19) VCF-style: chrX-77302012-A-C.
Other names: c.4214A>C, p.Asp1405Ala (NM_001282224.2); short protein forms D1483A, D1405A.
Identifiers: ClinVar variation 588403 (VCV000588403.8), dbSNP rs782799150, ClinGen allele CA10459555.

ClinVar aggregate classification (germline): Conflicting classifications of pathogenicity. Review status: criteria provided, conflicting classifications (1 of 4 stars). 2 submissions from 2 submitters: Uncertain significance (1); Likely benign (1). Last evaluated 2023-07-29.

Conditions:
Inborn genetic diseases. Identifiers: MedGen C0950123, MeSH D030342.
Menkes kinky-hair syndrome (MNK). Also called: Menkes Disease; Copper transport disease; Classic Menkes Disease. Identifiers: Orphanet 565, MedGen C0022716, MONDO:0010651, OMIM 309400.
Cutis laxa, X-linked (OHS). Also called: EDS IX; Occipital horn syndrome. Identifiers: Orphanet 198, MedGen C0268353, MONDO:0010572, OMIM 304150.
X-linked distal spinal muscular atrophy type 3. Also called: ATP7A-Related Distal Motor Neuropathy; NEURONOPATHY, DISTAL HEREDITARY MOTOR, X-LINKED; NEUROPATHY, DISTAL HEREDITARY MOTOR, X-LINKED; SPINAL MUSCULAR ATROPHY, DISTAL, X-LINKED RECESSIVE. Identifiers: Orphanet 139557, MedGen C1845359, MONDO:0010338, OMIM 300489.

Allele frequency attached by ClinVar (database versions not stated): ExAC 0.00001; gnomAD exomes 0.00001.
gnomAD v4.1: 1 of 1,211,669 alleles (0.000083%); highest among the groups gnomAD compares: Non-Finnish European, 0.00011%; no homozygotes.

Submissions (2):

Labcorp Genetics (formerly Invitae), Labcorp
Classification: Likely benign for X-linked distal spinal muscular atrophy type 3; Cutis laxa, X-linked; Menkes kinky-hair syndrome. Last evaluated: 2023-07-29. Review status: criteria provided, single submitter. Criteria: Invitae Variant Classification Sherloc (09022015). Collection method: clinical testing. Allele origin: germline.

Ambry Genetics
Classification: Uncertain significance for Inborn genetic diseases. Last evaluated: 2017-02-24. Review status: criteria provided, single submitter. Criteria: Ambry Variant Classification Scheme 2023. Collection method: clinical testing. Allele origin: germline.
Comment: The p.D1483A variant (also known as c.4448A>C), located in coding exon 22 of the ATP7A gene, results from an A to C substitution at nucleotide position 4448. The aspartic acid at codon 1483 is replaced by alanine, an amino acid with dissimilar properties. This amino acid position is highly conserved in available vertebrate species. In addition, this alteration is predicted to be deleterious by in silico analysis. Since supporting evidence is limited at this time, the clinical significance of this variant remains unclear.